The following is an entry in ClinVar:

ClinVar aggregate classification (germline): Uncertain significance. Review status: criteria provided, multiple submitters, no conflicts (2 of 4 stars). 2 submissions from 2 submitters: Uncertain significance (2). Last evaluated 2025-04-29.

gnomAD v4.1: 22 of 1,595,328 alleles (0.0014%); highest among the groups gnomAD compares: African/African-American, 0.004%; no homozygotes.

Submissions (2):

Ambry Genetics
Classification: Uncertain significance. Last evaluated: 2025-04-29. Review status: criteria provided, single submitter. Criteria: Ambry Variant Classification Scheme 2023. Collection method: clinical testing. Allele origin: germline.

Labcorp Genetics (formerly Invitae), Labcorp
Classification: Uncertain significance. Last evaluated: 2024-11-13. Review status: criteria provided, single submitter. Criteria: Invitae Variant Classification Sherloc (09022015). Collection method: clinical testing. Allele origin: germline.
Comment: This sequence change replaces serine, which is neutral and polar, with leucine, which is neutral and non-polar, at codon 194 of the MAD2L2 protein (p.Ser194Leu). This variant is not present in population databases (gnomAD no frequency). This variant has not been reported in the literature in individuals affected with MAD2L2-related conditions. An algorithm developed to predict the effect of missense changes on protein structure and function (PolyPhen-2) suggests that this variant is likely to be disruptive. In summary, the available evidence is currently insufficient to determine the role of this variant in disease. Therefore, it has been classified as a Variant of Uncertain Significance.

NM_006341.4(MAD2L2):c.581C>T (p.Ser194Leu)

Gene: MAD2L2 (mitotic arrest deficient 2 like 2; minus strand). Cytogenetic location: 1p36.22.
Variant type: single nucleotide variant.
Coding change: c.581C>T on transcript NM_006341.4 (MANE Select); coding-DNA position 581, C replaced by T.
Protein change: p.Ser194Leu; replaces serine 194 with leucine.
Molecular consequence: missense variant.
Genome position (GRCh38, 1-based): chr1:11,675,095, G>A on the plus strand (C>T on the coding strand, the complement: MAD2L2 is on the minus strand). VCF-style: chr1-11675095-G-A. GRCh37 (hg19) VCF-style: chr1-11735152-G-A.
Other names: c.581C>T (NM_001127325.1); c.581C>T, p.Ser194Leu (NM_001127325.2); short protein forms S194L.
Identifiers: ClinVar variation 3705821 (VCV003705821.3).